The following is an entry in ClinVar:

NM_007294.4(BRCA1):c.4915T>G (p.Leu1639Val)

Gene: BRCA1 (BRCA1 DNA repair associated; minus strand). Cytogenetic location: 17q21.31.
Variant type: single nucleotide variant.
Coding change: c.4915T>G on transcript NM_007294.4 (MANE Select); coding-DNA position 4915, T replaced by G.
Protein change: p.Leu1639Val; replaces leucine 1639 with valine.
Molecular consequence: missense variant. On other transcripts: non-coding transcript variant (1).
Genome position (GRCh38, 1-based): chr17:43,070,999, A>C on the plus strand (T>G on the coding strand, the complement: BRCA1 is on the minus strand). VCF-style: chr17-43070999-A-C. GRCh37 (hg19) VCF-style: chr17-41223016-A-C.
Other names: c.4702T>G, p.Leu1568Val (NM_001407571.1, NM_001407894.1, NM_001407895.1 and 12 more transcripts); c.4981T>G, p.Leu1661Val (NM_001407581.1, NM_001407582.1); c.4978T>G, p.Leu1660Val (NM_001407583.1, NM_001407585.1, NM_001407587.1 and 1 more transcripts); c.4975T>G, p.Leu1659Val (NM_001407590.1, NM_001407591.1); c.4915T>G, p.Leu1639Val (NM_001407593.1, NM_001407594.1, NM_001407596.1 and 8 more transcripts); c.4912T>G, p.Leu1638Val (NM_001407619.1, NM_001407620.1, NM_001407621.1 and 17 more transcripts); c.4909T>G, p.Leu1637Val (NM_001407627.1, NM_001407638.1, NM_001407639.1 and 14 more transcripts); c.4906T>G, p.Leu1636Val (NM_001407644.1, NM_001407645.1); and 70 more; short protein forms L535V, L1592V, L1639V, L1660V, L1485V, L1619V, L1634V, L368V.
Identifiers: ClinVar variation 868847 (VCV000868847.3), dbSNP rs1213264226, ClinGen allele CA10591692.

Conditions:
Breast-ovarian cancer, familial, susceptibility to, 1 (BROVCA1). Also called: BRCA1 Hereditary Breast and Ovarian Cancer; OVARIAN CANCER, SUSCEPTIBILITY TO. Identifiers: Orphanet 145, MedGen C2676676, MONDO:0011450, OMIM 604370. Disease mechanism: loss of function.

Submission:

Brotman Baty Institute, University of Washington
No classification provided (evidence only). Condition: Breast-ovarian cancer, familial 1. Review status: no classification provided. Collection method: in vitro. Allele origin: not applicable. Functional consequence: functionally_normal.
ClinVar note: "not provided" was previously submitted as the classification for the variant. However, the classification appeared to be based only on an observation of functional data so it was converted to no classification on 2025-07-30.